The following is an entry in ClinVar:

NM_173628.4(DNAH17):c.10999G>A (p.Asp3667Asn)

Gene: DNAH17 (dynein axonemal heavy chain 17; minus strand). Cytogenetic location: 17q25.3.
Variant type: single nucleotide variant.
Coding change: c.10999G>A on transcript NM_173628.4 (MANE Select); coding-DNA position 10999, G replaced by A.
Protein change: p.Asp3667Asn; replaces aspartic acid 3667 with asparagine.
Molecular consequence: missense variant.
Genome position (GRCh38, 1-based): chr17:78,450,295, C>T on the plus strand (G>A on the coding strand, the complement: DNAH17 is on the minus strand). VCF-style: chr17-78450295-C-T. GRCh37 (hg19) VCF-style: chr17-76446377-C-T.
Other names: short protein forms D3667N.
Identifiers: ClinVar variation 3042481 (VCV003042481.2), dbSNP rs2289752, ClinGen allele CA8800623.

ClinVar aggregate classification (germline): Benign (0 of 4 stars; one submission).

Conditions:
DNAH17-related disorder. Also called: DNAH17-related condition.

Allele frequency attached by ClinVar (database versions not stated): ESP Exome Variant Server 0.00008; TOPMed 0.00235; gnomAD 0.00239; 1000 Genomes Project 30x 0.01077; 1000 Genomes Project 0.01198.
gnomAD v4.1: 3,587 of 1,613,972 alleles (0.22%); highest among the groups gnomAD compares: East Asian, 3.7%; 65 homozygotes.

Submission:

PreventionGenetics, part of Exact Sciences
Classification: Benign for DNAH17-related condition. Last evaluated: 2019-03-20. Review status: no assertion criteria provided. Collection method: clinical testing. Allele origin: germline.
Comment: This variant is classified as benign based on ACMG/AMP sequence variant interpretation guidelines (Richards et al. 2015 PMID: 25741868, with internal and published modifications).